The following is an entry in ClinVar:

ClinVar aggregate classification (germline): Uncertain significance (1 of 4 stars; one submission).

Submission:

Labcorp Genetics (formerly Invitae), Labcorp
Classification: Uncertain significance. Last evaluated: 2021-09-23. Review status: criteria provided, single submitter. Criteria: Invitae Variant Classification Sherloc (09022015). Collection method: clinical testing. Allele origin: germline.
Comment: This variant has not been reported in the literature in individuals with OSTM1-related conditions. This sequence change replaces aspartic acid with alanine at codon 127 of the OSTM1 protein (p.Asp127Ala). The aspartic acid residue is weakly conserved and there is a moderate physicochemical difference between aspartic acid and alanine. This variant is not present in population databases (ExAC no frequency). Algorithms developed to predict the effect of missense changes on protein structure and function (SIFT, PolyPhen-2, Align-GVGD) all suggest that this variant is likely to be tolerated, but these predictions have not been confirmed by published functional studies and their clinical significance is uncertain. In summary, the available evidence is currently insufficient to determine the role of this variant in disease. Therefore, it has been classified as a Variant of Uncertain Significance.

NM_014028.4(OSTM1):c.380A>C (p.Asp127Ala)

Gene: OSTM1 (osteoclastogenesis associated transmembrane protein 1; minus strand). Cytogenetic location: 6q21.
Variant type: single nucleotide variant.
Coding change: c.380A>C on transcript NM_014028.4 (MANE Select); coding-DNA position 380, A replaced by C.
Protein change: p.Asp127Ala; replaces aspartic acid 127 with alanine.
Molecular consequence: missense variant.
Genome position (GRCh38, 1-based): chr6:108,074,272, T>G on the plus strand (A>C on the coding strand, the complement: OSTM1 is on the minus strand). VCF-style: chr6-108074272-T-G. GRCh37 (hg19) VCF-style: chr6-108395476-T-G.
Other names: short protein forms D127A.
Identifiers: ClinVar variation 1401701 (VCV001401701.8), dbSNP rs2114616037, ClinGen allele CA365330179.